The following is an entry in ClinVar:

NM_000490.5(AVP):c.314G>A (p.Cys105Tyr)

Gene: AVP (arginine vasopressin; minus strand). Cytogenetic location: 20p13.
Variant type: single nucleotide variant.
Coding change: c.314G>A on transcript NM_000490.5 (MANE Select); coding-DNA position 314, G replaced by A.
Protein change: p.Cys105Tyr; replaces cysteine 105 with tyrosine.
Molecular consequence: missense variant.
Genome position (GRCh38, 1-based): chr20:3,082,985, C>T on the plus strand (G>A on the coding strand, the complement: AVP is on the minus strand). VCF-style: chr20-3082985-C-T. GRCh37 (hg19) VCF-style: chr20-3063631-C-T.
Other names: short protein forms C105Y.
Identifiers: ClinVar variation 4839844 (VCV004839844.1).
Genomic context (GRCh38, chr20:3,082,985, plus strand): 5'-CACCCAAGCGGTCTGCGCCCCCCCCAGCCCCAGGCCCGCCCCCGCCGCGCACCGTCGTTG[C>T]AGCAAACGCCGAAGGCGGCGCAGCGGCCCCCGCTCCCGCACGCCTTCTGGCCGGACTGGC-3'
Protein context (NP_000481.2, residues 95-115): GGRCAAFGVC[Cys105Tyr]NDESCVTEPE

ClinVar aggregate classification (germline): Likely pathogenic (1 of 4 stars; one submission).

Conditions:
Inborn genetic diseases. Identifiers: MedGen C0950123, MeSH D030342.

Submission:

Ambry Genetics
Classification: Likely pathogenic for Inborn genetic diseases. Last evaluated: 2026-02-19. Review status: criteria provided, single submitter. Criteria: Ambry Variant Classification Scheme 2023. Collection method: clinical testing. Allele origin: germline.
Comment: The c.314G>A (p.C105Y) alteration is located in exon 2 (coding exon 2) of the AVP gene. This alteration results from a G to A substitution at nucleotide position 314, causing the cysteine (C) at amino acid position 105 to be replaced by a tyrosine (Y). This variant was not reported in population-based cohorts in the Genome Aggregation Database (gnomAD). This variant was reported in individual(s) with features consistent with Neurohypophyseal diabetes insipidus (Fujii, 2000). Other variant(s) at the same codon, c.313T>C (p.C105R), c.314G>C (p.C105S), have been identified in individual(s) with features consistent with Neurohypophyseal diabetes insipidus (Rutishauser, 2002; Chitturi, 2008). This amino acid position is highly conserved in available vertebrate species. This alteration is predicted to be deleterious by in silico analysis. Based on the available evidence, this alteration is classified as likely pathogenic.

Literature cited by the submitters: PubMed 10677561; PubMed 11980620; PubMed 18494865.